The following is an entry in ClinVar:

NM_020919.4(ALS2):c.4243A>G (p.Ile1415Val)

Gene: ALS2 (alsin Rho guanine nucleotide exchange factor ALS2; minus strand). Cytogenetic location: 2q33.1.
Variant type: single nucleotide variant.
Coding change: c.4243A>G on transcript NM_020919.4 (MANE Select); coding-DNA position 4243, A replaced by G.
Protein change: p.Ile1415Val; replaces isoleucine 1415 with valine.
Molecular consequence: missense variant.
Genome position (GRCh38, 1-based): chr2:201,709,918, T>C on the plus strand (A>G on the coding strand, the complement: ALS2 is on the minus strand). VCF-style: chr2-201709918-T-C. GRCh37 (hg19) VCF-style: chr2-202574641-T-C.
Other names: c.4240A>G, p.Ile1414Val (NM_001410975.1); short protein forms I1414V, I1415V.
Identifiers: ClinVar variation 2078696 (VCV002078696.4), dbSNP rs2469701478, ClinGen allele CA350323399.

ClinVar aggregate classification (germline): Uncertain significance (1 of 4 stars; one submission).

Conditions:
Infantile-onset ascending hereditary spastic paralysis (IAHSP). Also called: Autosomal Recessive Juvenile Amyotrophic Lateral Sclerosis; Infantile-Onset Ascending Hereditary Spastic Paralysis (IAHSP). Identifiers: Orphanet 293168, MedGen C2931441, MONDO:0011797, OMIM 607225. Disease mechanism: loss of function.

Allele frequency attached by ClinVar (database versions not stated): gnomAD exomes below 0.00001.
gnomAD v4.1: 1 of 1,614,134 alleles (0.000062%); highest among the groups gnomAD compares: Non-Finnish European, 0.000085%; no homozygotes.

Submission:

Labcorp Genetics (formerly Invitae), Labcorp
Classification: Uncertain significance for Infantile-onset ascending hereditary spastic paralysis. Last evaluated: 2022-01-17. Review status: criteria provided, single submitter. Criteria: Invitae Variant Classification Sherloc (09022015). Collection method: clinical testing. Allele origin: germline.
Comment: This sequence change replaces isoleucine, which is neutral and non-polar, with valine, which is neutral and non-polar, at codon 1415 of the ALS2 protein (p.Ile1415Val). This variant is not present in population databases (gnomAD no frequency). This variant has not been reported in the literature in individuals affected with ALS2-related conditions. Algorithms developed to predict the effect of missense changes on protein structure and function (SIFT, PolyPhen-2, Align-GVGD) all suggest that this variant is likely to be tolerated. Algorithms developed to predict the effect of sequence changes on RNA splicing suggest that this variant may create or strengthen a splice site. In summary, the available evidence is currently insufficient to determine the role of this variant in disease. Therefore, it has been classified as a Variant of Uncertain Significance.